The following is an entry in ClinVar:

ClinVar aggregate classification (germline): Uncertain significance. Review status: criteria provided, multiple submitters, no conflicts (2 of 4 stars). 4 submissions from 4 submitters: Uncertain significance (4). Last evaluated 2025-09-16.

Conditions:
Ataxia-telangiectasia-like disorder (ATLD). Identifiers: MedGen C1858391, MONDO:0011457.
Hereditary cancer-predisposing syndrome. Also called: Tumor predisposition; Hereditary neoplastic syndrome; Neoplastic Syndromes, Hereditary; Hereditary Cancer Syndrome. Identifiers: Orphanet 140162, MedGen C0027672, MeSH D009386, MONDO:0015356.

Allele frequency attached by ClinVar (database versions not stated): gnomAD exomes below 0.00001; TOPMed below 0.00001.
gnomAD v4.1: 1 of 1,613,998 alleles (0.000062%); highest among the groups gnomAD compares: Admixed American, 0.0017%; no homozygotes.

Submissions (4):

Ambry Genetics
Classification: Uncertain significance for Hereditary cancer-predisposing syndrome. Last evaluated: 2025-09-16. Review status: criteria provided, single submitter. Criteria: Ambry Variant Classification Scheme 2023. Collection method: clinical testing. Allele origin: germline.
Comment: The p.K384I variant (also known as c.1151A>T), located in coding exon 10 of the MRE11A gene, results from an A to T substitution at nucleotide position 1151. The lysine at codon 384 is replaced by isoleucine, an amino acid with dissimilar properties. This amino acid position is highly conserved in available vertebrate species. In addition, the in silico prediction for this alteration is inconclusive. Since supporting evidence is limited at this time, the clinical significance of this alteration remains unclear.

Dasa
Classification: Uncertain significance. Last evaluated: 2025-01-17. Review status: criteria provided, single submitter. Criteria: DASA Assertion Criteria. Collection method: clinical testing. Allele origin: germline.
Comment: NM_005591.4(MRE11):c.1151A>T (p.Lys384Ile) is a missense variant that results in the substitution of lysine with isoleucine. This variant is rare in population databases. The currently available literature and clinical evidence are not sufficient to establish a definitive association between this variant and the reported condition. Therefore, this variant is classified as a variant of uncertain significance.

Women's Health and Genetics/Laboratory Corporation of America, LabCorp
Classification: Uncertain significance. Last evaluated: 2022-11-10. Review status: criteria provided, single submitter. Criteria: LabCorp Variant Classification Summary - May 2015. Collection method: clinical testing. Allele origin: germline.

Labcorp Genetics (formerly Invitae), Labcorp
Classification: Uncertain significance for Ataxia-telangiectasia-like disorder. Last evaluated: 2021-08-31. Review status: criteria provided, single submitter. Criteria: Invitae Variant Classification Sherloc (09022015). Collection method: clinical testing. Allele origin: germline.
Comment: This sequence change replaces lysine with isoleucine at codon 384 of the MRE11 protein (p.Lys384Ile). The lysine residue is moderately conserved and there is a moderate physicochemical difference between lysine and isoleucine. This variant is not present in population databases (ExAC no frequency). This variant has not been reported in the literature in individuals affected with MRE11-related conditions. ClinVar contains an entry for this variant (Variation ID: 485813). Algorithms developed to predict the effect of missense changes on protein structure and function are either unavailable or do not agree on the potential impact of this missense change (SIFT: "Deleterious"; PolyPhen-2: "Possibly Damaging"; Align-GVGD: "Class C0"). In summary, the available evidence is currently insufficient to determine the role of this variant in disease. Therefore, it has been classified as a Variant of Uncertain Significance.

NM_005591.4(MRE11):c.1151A>T (p.Lys384Ile)

Gene: MRE11 (MRE11 double strand break repair nuclease; minus strand). Cytogenetic location: 11q21.
Variant type: single nucleotide variant.
Coding change: c.1151A>T on transcript NM_005591.4 (MANE Select); coding-DNA position 1151, A replaced by T.
Protein change: p.Lys384Ile; replaces lysine 384 with isoleucine.
Molecular consequence: missense variant.
Genome position (GRCh38, 1-based): chr11:94,464,187, T>A on the plus strand (A>T on the coding strand, the complement: MRE11 is on the minus strand). VCF-style: chr11-94464187-T-A. GRCh37 (hg19) VCF-style: chr11-94197353-T-A.
Other names: c.1151A>T, p.Lys384Ile (NM_001330347.2, NM_005590.4); short protein forms K384I.
Identifiers: ClinVar variation 485813 (VCV000485813.14), dbSNP rs1193534253, ClinGen allele CA382372902.
Genomic context (GRCh38, chr11:94,464,187, plus strand): 5'-TGTTCTCTATGCCTGAAAAAATGGATAATGTCTTTTGGATTAGCTACCCGATCCACAAAT[T>A]TCTGGCTAAAGCGAAGAACACTGAAAGGTTCAAAACCTCCACTATAGTCCACCTGAAAAC-3'
Protein context (NP_005582.1, residues 374-394): EPFSVLRFSQ[Lys384Ile]FVDRVANPKD